The following is an entry in ClinVar:

ClinVar aggregate classification (germline): Uncertain significance. Review status: criteria provided, multiple submitters, no conflicts (2 of 4 stars). 3 submissions from 3 submitters: Uncertain significance (3). Last evaluated 2026-08-06.

gnomAD v4.1: 59 of 1,548,226 alleles (0.0038%); highest among the groups gnomAD compares: Middle Eastern, 0.05%; no homozygotes.

Submissions (3):

GeneDx
Classification: Uncertain significance. Last evaluated: 2026-08-06. Review status: criteria provided, single submitter. Criteria: GeneDx Variant Classification Process June 2021. Collection method: clinical testing. Allele origin: germline.
Comment: Not observed at significant frequency in large population cohorts (gnomAD); In silico analysis supports that this missense variant has a deleterious effect on protein structure/function; Has not been previously published as pathogenic or benign to our knowledge

Labcorp Genetics (formerly Invitae), Labcorp
Classification: Uncertain significance. Last evaluated: 2025-12-08. Review status: criteria provided, single submitter. Criteria: Invitae Variant Classification Sherloc (09022015). Collection method: clinical testing. Allele origin: germline.
Comment: This sequence change replaces valine, which is neutral and non-polar, with methionine, which is neutral and non-polar, at codon 2695 of the OTOG protein (p.Val2695Met). This variant is present in population databases (no rsID available, gnomAD 0.006%). This variant has not been reported in the literature in individuals affected with OTOG-related conditions. ClinVar contains an entry for this variant (Variation ID: 3710886). An algorithm developed to predict the effect of missense changes on protein structure and function (PolyPhen-2) suggests that this variant is likely to be disruptive. In summary, the available evidence is currently insufficient to determine the role of this variant in disease. Therefore, it has been classified as a Variant of Uncertain Significance.

Blueprint Genetics
Classification: Uncertain significance. Last evaluated: 2024-06-07. Review status: criteria provided, single submitter. Criteria: ACMG Guidelines, 2015. Collection method: clinical testing. Allele origin: germline.

NM_001292063.2(OTOG):c.8047G>A (p.Val2683Met)

Gene: OTOG (otogelin; plus strand). Cytogenetic location: 11p15.1.
Variant type: single nucleotide variant.
Coding change: c.8047G>A on transcript NM_001292063.2 (MANE Select); coding-DNA position 8047, G replaced by A.
Protein change: p.Val2683Met; replaces valine 2683 with methionine.
Molecular consequence: missense variant.
Genome position (GRCh38, 1-based): chr11:17,640,948, G>A. VCF-style: chr11-17640948-G-A. GRCh37 (hg19) VCF-style: chr11-17662495-G-A.
Other names: c.8083G>A (NM_001277269.1); c.8083G>A, p.Val2695Met (NM_001277269.2); short protein forms V2695M, V2683M.
Identifiers: ClinVar variation 3710886 (VCV003710886.5).
Genomic context (GRCh38, chr11:17,640,948, plus strand): 5'-GTTGCCGCCCTGCATGCCCATCCAGTGAAGGCCCCGGTGTGTCTGAGCCGCGAGCTGGGT[G>A]TGATGCAGCCCGGCCAGACAGTGGTGGAGCTCTCAGCAGATGGCGTGTGCCACACCTCCC-3'
Protein context (NP_001278992.1, residues 2673-2693): APVCLSRELG[Val2683Met]MQPGQTVVEL